The following is an entry in ClinVar:

ClinVar aggregate classification (germline): Benign (1 of 4 stars; one submission).

Allele frequency attached by ClinVar (database versions not stated): gnomAD 0.05648 and 0.05880; TOPMed 0.06281; 1000 Genomes Project 0.09625; 1000 Genomes Project 30x 0.09697.
gnomAD v4.1: 8,985 of 152,268 alleles (5.9%); highest among the groups gnomAD compares: East Asian, 13%; 388 homozygotes.

Submission:

GeneDx
Classification: Benign. Last evaluated: 2018-06-14. Review status: criteria provided, single submitter. Criteria: GeneDx Variant Classification (06012015). Collection method: clinical testing. Allele origin: germline. Affected: yes.
Comment: This variant is considered likely benign or benign based on one or more of the following criteria: it is a conservative change, it occurs at a poorly conserved position in the protein, it is predicted to be benign by multiple in silico algorithms, and/or has population frequency not consistent with disease.

NM_001330260.2(SCN8A):c.395+262T>C

Gene: SCN8A (sodium voltage-gated channel alpha subunit 8; plus strand). Cytogenetic location: 12q13.13.
Variant type: single nucleotide variant.
Coding change: c.395+262T>C on transcript NM_001330260.2 (MANE Select); 262 bases into the intron after coding-DNA position 395, T replaced by C.
Molecular consequence: intron variant.
Genome position (GRCh38, 1-based): chr12:51,684,554, T>C. VCF-style: chr12-51684554-T-C. GRCh37 (hg19) VCF-style: chr12-52078338-T-C.
Other names: c.395+262T>C (NM_014191.4, NM_001177984.3, NM_001369788.1).
Identifiers: ClinVar variation 669408 (VCV000669408.1), dbSNP rs56764080, ClinGen allele CA236259396.